The following is an entry in ClinVar:

ClinVar aggregate classification (germline): Likely benign (1 of 4 stars; one submission).

Submission:

CeGaT Center for Human Genetics Tuebingen
Classification: Likely benign. Last evaluated: 2026-09-01. Review status: criteria provided, single submitter. Criteria: CeGaT Center For Human Genetics Tuebingen Variant Classification Criteria Version 2. Collection method: clinical testing. Allele origin: germline. Affected: yes. Observed: 3 variant alleles.
Comment: MAF: BS1

NM_005360.5(MAF):c.544CAC[7] (p.His187_Ala188insHis)

Gene: MAF (MAF bZIP transcription factor; minus strand). Cytogenetic location: 16q23.2.
Variant type: Microsatellite.
Coding change: c.544CAC[7] on transcript NM_005360.5 (MANE Select); seven copies in a row of the 3-base unit CAC starting at c.544; the reference has six copies in a row; one copy, 3 bases duplicated.
Protein change: p.His187_Ala188insHis.
Molecular consequence: inframe insertion.
Genome position (GRCh38, 1-based): chr16:79,599,342-79,599,344, GTG duplicated on the plus strand (CAC on the coding strand, the reverse complement: MAF is on the minus strand); duplicating any 3 consecutive bases within chr16:79,599,342-79,599,361 gives the same sequence; the position shown is the placement nearest the transcript's 3' end. VCF-style (leftmost placement, unchanged base first): chr16-79599341-C-CGTG. GRCh37 (hg19) VCF-style: chr16-79633238-C-CGTG.
Other names: c.544CAC[7], p.His187_Ala188insHis (NM_001031804.3).
Identifiers: ClinVar variation 4821255 (VCV004821255.4).